The following is an entry in ClinVar:

ClinVar aggregate classification (germline): Uncertain significance (1 of 4 stars; one submission).

Submission:

Ambry Genetics
Classification: Uncertain significance. Last evaluated: 2025-11-14. Review status: criteria provided, single submitter. Criteria: Ambry Variant Classification Scheme 2023. Collection method: clinical testing. Allele origin: germline.
Comment: The c.3465+5G>C intronic variant results from a G to C substitution 5 nucleotides after coding exon 3 in the MLH3 gene. This nucleotide position is highly conserved in available vertebrate species. In silico splice site analysis predicts that this alteration will weaken the native splice donor site. The evidence for this gene-disease relationship is limited; therefore, the clinical significance of this alteration is unclear.

NM_001040108.2(MLH3):c.3465+5G>C

Gene: MLH3 (mutL homolog 3; minus strand). Cytogenetic location: 14q24.3.
Variant type: single nucleotide variant.
Coding change: c.3465+5G>C on transcript NM_001040108.2 (MANE Select); 5 bases into the intron after coding-DNA position 3465, G replaced by C.
Molecular consequence: intron variant.
Genome position (GRCh38, 1-based): chr14:75,041,610, C>G on the plus strand (G>C on the coding strand, the complement: MLH3 is on the minus strand). VCF-style: chr14-75041610-C-G. GRCh37 (hg19) VCF-style: chr14-75508313-C-G.
Other names: c.3465+5G>C (NM_014381.3).
Identifiers: ClinVar variation 4552043 (VCV004552043.1).